The following is an entry in ClinVar:

ClinVar aggregate classification (germline): Uncertain significance. Review status: criteria provided, multiple submitters, no conflicts (2 of 4 stars). 2 submissions from 2 submitters: Uncertain significance (2). Last evaluated 2025-01-06.

Conditions:
Hereditary cancer-predisposing syndrome. Also called: Neoplastic Syndromes, Hereditary; Tumor predisposition; Hereditary neoplastic syndrome; Hereditary Cancer Syndrome. Identifiers: Orphanet 140162, MedGen C0027672, MeSH D009386, MONDO:0015356.

Submissions (2):

Ambry Genetics
Classification: Uncertain significance for Hereditary cancer-predisposing syndrome. Last evaluated: 2025-01-06. Review status: criteria provided, single submitter. Criteria: Ambry Variant Classification Scheme 2023. Collection method: clinical testing. Allele origin: germline.
Comment: The p.V386I variant (also known as c.1156G>A), located in coding exon 8 of the CTNNA1 gene, results from a G to A substitution at nucleotide position 1156. The valine at codon 386 is replaced by isoleucine, an amino acid with highly similar properties. This amino acid position is conserved. In addition, this alteration is predicted to be tolerated by in silico analysis. Based on the available evidence, the clinical significance of this variant remains unclear.

Labcorp Genetics (formerly Invitae), Labcorp
Classification: Uncertain significance. Last evaluated: 2021-04-28. Review status: criteria provided, single submitter. Criteria: Invitae Variant Classification Sherloc (09022015). Collection method: clinical testing. Allele origin: germline.
Comment: This sequence change replaces valine with isoleucine at codon 386 of the CTNNA1 protein (p.Val386Ile). The valine residue is highly conserved and there is a small physicochemical difference between valine and isoleucine. This variant is not present in population databases (ExAC no frequency). This variant has not been reported in the literature in individuals with CTNNA1-related conditions. Algorithms developed to predict the effect of missense changes on protein structure and function are either unavailable or do not agree on the potential impact of this missense change (SIFT: "Deleterious"; PolyPhen-2: "Benign"; Align-GVGD: "Class C0"). In summary, the available evidence is currently insufficient to determine the role of this variant in disease. Therefore, it has been classified as a Variant of Uncertain Significance.

NM_001903.5(CTNNA1):c.1156G>A (p.Val386Ile)

Gene: CTNNA1 (catenin alpha 1; plus strand). Cytogenetic location: 5q31.2.
Variant type: single nucleotide variant.
Coding change: c.1156G>A on transcript NM_001903.5 (MANE Select); coding-DNA position 1156, G replaced by A.
Protein change: p.Val386Ile; replaces valine 386 with isoleucine.
Molecular consequence: missense variant. On other transcripts: 5 prime UTR variant (5), intron variant (2).
Genome position (GRCh38, 1-based): chr5:138,887,502, G>A. VCF-style: chr5-138887502-G-A. GRCh37 (hg19) VCF-style: chr5-138223191-G-A.
Other names: c.1156G>A (NM_001903.2); c.1156G>A, p.Val386Ile (NM_001290307.3, NM_001323982.2, NM_001323983.1 and 3 more transcripts); c.847G>A, p.Val283Ile (NM_001290309.3); c.787G>A, p.Val263Ile (NM_001290310.3); c.46G>A, p.Val16Ile (NM_001290312.1, NM_001323987.1, NM_001323988.1 and 18 more transcripts); c.-352G>A (NM_001324006.1, NM_001324007.1, NM_001324008.1 and 1 more transcripts); c.-227G>A (NM_001324013.1); c.-58+11905G>A (NM_001324012.1); and 1 more; short protein forms V386I, V16I, V263I, V283I.
Identifiers: ClinVar variation 1364289 (VCV001364289.9), dbSNP rs2150032090, ClinGen allele CA361132936.